The following is an entry in ClinVar:

NM_001349884.2(DRAM2):c.740A>G (p.Tyr247Cys)

Gene: DRAM2 (DNA damage regulated autophagy modulator 2; minus strand). Cytogenetic location: 1p13.3.
Variant type: single nucleotide variant.
Coding change: c.740A>G on transcript NM_001349884.2 (MANE Select); coding-DNA position 740, A replaced by G.
Protein change: p.Tyr247Cys; replaces tyrosine 247 with cysteine.
Molecular consequence: missense variant. On other transcripts: non-coding transcript variant (8).
Genome position (GRCh38, 1-based): chr1:111,118,221, T>C on the plus strand (A>G on the coding strand, the complement: DRAM2 is on the minus strand). VCF-style: chr1-111118221-T-C. GRCh37 (hg19) VCF-style: chr1-111660843-T-C.
Other names: c.740A>G, p.Tyr247Cys (NM_001349881.2, NM_001349882.2, NM_001349885.2 and 1 more transcripts); c.470A>G, p.Tyr157Cys (NM_001349886.2, NM_001349887.2, NM_001349888.2); c.350A>G, p.Tyr117Cys (NM_001349889.2, NM_001349890.2, NM_001349891.2 and 2 more transcripts); short protein forms Y157C, Y117C, Y247C.
Identifiers: ClinVar variation 1352530 (VCV001352530.9), dbSNP rs370965454, ClinGen allele CA1001729.

ClinVar aggregate classification (germline): Uncertain significance. Review status: criteria provided, multiple submitters, no conflicts (2 of 4 stars). 2 submissions from 2 submitters: Uncertain significance (2). Last evaluated 2022-06-27.

Allele frequency attached by ClinVar (database versions not stated): gnomAD exomes below 0.00001 and 0.00002; TOPMed below 0.00001; gnomAD 0.00001 and 0.00002; ExAC 0.00002; ESP Exome Variant Server 0.00008.
gnomAD v4.1: 5 of 1,613,006 alleles (0.00031%); highest among the groups gnomAD compares: African/African-American, 0.0027%; no homozygotes.

Submissions (2):

Labcorp Genetics (formerly Invitae), Labcorp
Classification: Uncertain significance. Last evaluated: 2022-06-27. Review status: criteria provided, single submitter. Criteria: Invitae Variant Classification Sherloc (09022015). Collection method: clinical testing. Allele origin: germline.
Comment: This variant is present in population databases (rs370965454, gnomAD 0.01%). In summary, the available evidence is currently insufficient to determine the role of this variant in disease. Therefore, it has been classified as a Variant of Uncertain Significance. Algorithms developed to predict the effect of missense changes on protein structure and function are either unavailable or do not agree on the potential impact of this missense change (SIFT: "Deleterious"; PolyPhen-2: "Benign"; Align-GVGD: "Class C0"). This variant has not been reported in the literature in individuals affected with DRAM2-related conditions. This sequence change replaces tyrosine, which is neutral and polar, with cysteine, which is neutral and slightly polar, at codon 247 of the DRAM2 protein (p.Tyr247Cys).

Blueprint Genetics
Classification: Uncertain significance. Last evaluated: 2022-04-22. Review status: criteria provided, single submitter. Criteria: ACMG Guidelines, 2015. Collection method: clinical testing. Allele origin: germline.